The following is an entry in ClinVar:

NM_002241.5(KCNJ10):c.317C>T (p.Thr106Ile)

Gene: KCNJ10 (potassium inwardly rectifying channel subfamily J member 10; minus strand). Cytogenetic location: 1q23.2.
Variant type: single nucleotide variant.
Coding change: c.317C>T on transcript NM_002241.5 (MANE Select); coding-DNA position 317, C replaced by T.
Protein change: p.Thr106Ile; replaces threonine 106 with isoleucine.
Molecular consequence: missense variant.
Genome position (GRCh38, 1-based): chr1:160,042,216, G>A on the plus strand (C>T on the coding strand, the complement: KCNJ10 is on the minus strand). VCF-style: chr1-160042216-G-A. GRCh37 (hg19) VCF-style: chr1-160012006-G-A.
Other names: c.317C>T (NM_002241.4); short protein forms T106I.
Identifiers: ClinVar variation 1413700 (VCV001413700.8), dbSNP rs1449269925, ClinGen allele CA343228607.

ClinVar aggregate classification (germline): Uncertain significance. Review status: criteria provided, multiple submitters, no conflicts (2 of 4 stars). 2 submissions from 2 submitters: Uncertain significance (2). Last evaluated 2024-09-02.

Conditions:
EAST syndrome (SESAMES). Also called: SEIZURES, SENSORINEURAL DEAFNESS, ATAXIA, IMPAIRED INTELLECTUAL DEVELOPMENT, AND ELECTROLYTE IMBALANCE. Identifiers: Orphanet 199343, MedGen C2748572, MONDO:0013005, OMIM 612780.
Inborn genetic diseases. Identifiers: MedGen C0950123, MeSH D030342.

gnomAD v4.1: 8 of 1,613,620 alleles (0.0005%); highest among the groups gnomAD compares: East Asian, 0.0067%; no homozygotes.

Submissions (2):

Ambry Genetics
Classification: Uncertain significance for Inborn genetic diseases. Last evaluated: 2024-09-02. Review status: criteria provided, single submitter. Criteria: Ambry Variant Classification Scheme 2023. Collection method: clinical testing. Allele origin: germline.

Labcorp Genetics (formerly Invitae), Labcorp
Classification: Uncertain significance for EAST syndrome. Last evaluated: 2024-03-16. Review status: criteria provided, single submitter. Criteria: Invitae Variant Classification Sherloc (09022015). Collection method: clinical testing. Allele origin: germline.
Comment: This sequence change replaces threonine, which is neutral and polar, with isoleucine, which is neutral and non-polar, at codon 106 of the KCNJ10 protein (p.Thr106Ile). This variant is not present in population databases (gnomAD no frequency). This variant has not been reported in the literature in individuals affected with KCNJ10-related conditions. ClinVar contains an entry for this variant (Variation ID: 1413700). Advanced modeling of protein sequence and biophysical properties (such as structural, functional, and spatial information, amino acid conservation, physicochemical variation, residue mobility, and thermodynamic stability) performed at Invitae indicates that this missense variant is not expected to disrupt KCNJ10 protein function with a negative predictive value of 80%. In summary, the available evidence is currently insufficient to determine the role of this variant in disease. Therefore, it has been classified as a Variant of Uncertain Significance.